The following is an entry in ClinVar:

ClinVar aggregate classification (germline): Uncertain significance (1 of 4 stars; one submission).

gnomAD v4.1: 1 of 1,614,142 alleles (0.000062%); highest among the groups gnomAD compares: Non-Finnish European, 0.000085%; no homozygotes.

Submission:

Women's Health and Genetics/Laboratory Corporation of America, LabCorp
Classification: Uncertain significance. Last evaluated: 2025-10-30. Review status: criteria provided, single submitter. Criteria: LabCorp Variant Classification Summary - May 2015. Collection method: clinical testing. Allele origin: germline.
Comment: Variant summary: PLOD1 c.2146G>A (p.Gly716Ser) results in a non-conservative amino acid change in the encoded protein sequence. Algorithms developed to predict the effect of missense changes on protein structure and function all suggest that this variant is likely to be disruptive. The variant was absent in 251358 control chromosomes. The available data on variant occurrences in the general population are insufficient to allow any conclusion about variant significance. c.2146G>A has been observed in individual(s) affected with Pulmonary arterial hypertension (Zhu_2018). These report(s) do not provide unequivocal conclusions about association of the variant with Ehlers-Danlos Syndrome Type VI. To our knowledge, no experimental evidence demonstrating an impact on protein function has been reported. The following publication has been ascertained in the context of this evaluation (PMID: 30029678). No submitters have cited clinical-significance assessments for this variant to ClinVar. Based on the evidence outlined above, the variant was classified as uncertain significance.

Literature cited by the submitters: PubMed 30029678.

NM_000302.4(PLOD1):c.2146G>A (p.Gly716Ser)

Gene: PLOD1 (procollagen-lysine,2-oxoglutarate 5-dioxygenase 1; plus strand). Cytogenetic location: 1p36.22.
Variant type: single nucleotide variant.
Coding change: c.2146G>A on transcript NM_000302.4 (MANE Select); coding-DNA position 2146, G replaced by A.
Protein change: p.Gly716Ser; replaces glycine 716 with serine.
Molecular consequence: missense variant.
Genome position (GRCh38, 1-based): chr1:11,974,770, G>A. VCF-style: chr1-11974770-G-A. GRCh37 (hg19) VCF-style: chr1-12034827-G-A.
Other names: c.2287G>A, p.Gly763Ser (NM_001316320.2); short protein forms G716S, G763S.
Identifiers: ClinVar variation 4687393 (VCV004687393.1).